The following is an entry in ClinVar:

NM_178040.4(ERC1):c.2820C>T (p.Ala940=)

Gene: ERC1 (ELKS/RAB6-interacting/CAST family member 1; plus strand). Cytogenetic location: 12p13.33.
Variant type: single nucleotide variant.
Coding change: c.2820C>T on transcript NM_178040.4 (MANE Select); coding-DNA position 2820, C replaced by T.
Protein change: p.Ala940=; no amino-acid change (alanine 940 retained).
Molecular consequence: synonymous variant. On other transcripts: non-coding transcript variant (3).
Genome position (GRCh38, 1-based): chr12:1,371,872, C>T. VCF-style: chr12-1371872-C-T. GRCh37 (hg19) VCF-style: chr12-1481038-C-T.
Other names: c.2820C>T, p.Ala940= (NM_001301248.1); c.2616C>T, p.Ala872= (NM_015064.2); c.2748C>T, p.Ala916= (NM_178037.1); c.2736C>T, p.Ala912= (NM_178039.4).
Identifiers: ClinVar variation 3057218 (VCV003057218.2), dbSNP rs35478691, ClinGen allele CA6384922.

ClinVar aggregate classification (germline): Benign (0 of 4 stars; one submission).

Conditions:
ERC1-related disorder. Also called: ERC1-related condition.

Allele frequency attached by ClinVar (database versions not stated): 1000 Genomes Project 0.02236; 1000 Genomes Project 30x 0.02358; TOPMed 0.03048; gnomAD 0.03071; gnomAD exomes 0.03163; ExAC 0.03173; ESP Exome Variant Server 0.03644.
gnomAD v4.1: 50,899 of 1,613,850 alleles (3.2%); highest among the groups gnomAD compares: Middle Eastern, 6.6%; 915 homozygotes.

Submission:

PreventionGenetics, part of Exact Sciences
Classification: Benign for ERC1-related condition. Last evaluated: 2019-07-23. Review status: no assertion criteria provided. Collection method: clinical testing. Allele origin: germline.
Comment: This variant is classified as benign based on ACMG/AMP sequence variant interpretation guidelines (Richards et al. 2015 PMID: 25741868, with internal and published modifications).